The following is an entry in ClinVar:

ClinVar aggregate classification (germline): Uncertain significance (1 of 4 stars; one submission).

Conditions:
Primary ciliary dyskinesia. Also called: Ciliary dyskinesia. Identifiers: Orphanet 244, MedGen C0008780, MONDO:0016575, HP:0012265.

Allele frequency attached by ClinVar (database versions not stated): TOPMed below 0.00001; gnomAD exomes 0.00001.
gnomAD v4.1: 10 of 1,614,200 alleles (0.00062%); highest among the groups gnomAD compares: Middle Eastern, 0.016%; no homozygotes.

Submission:

Labcorp Genetics (formerly Invitae), Labcorp
Classification: Uncertain significance for Primary ciliary dyskinesia. Last evaluated: 2023-12-06. Review status: criteria provided, single submitter. Criteria: Invitae Variant Classification Sherloc (09022015). Collection method: clinical testing. Allele origin: germline.
Comment: This sequence change replaces alanine, which is neutral and non-polar, with valine, which is neutral and non-polar, at codon 235 of the RSPH9 protein (p.Ala235Val). This variant is not present in population databases (gnomAD no frequency). This variant has not been reported in the literature in individuals affected with RSPH9-related conditions. An algorithm developed to predict the effect of missense changes on protein structure and function (PolyPhen-2) suggests that this variant is likely to be tolerated. In summary, the available evidence is currently insufficient to determine the role of this variant in disease. Therefore, it has been classified as a Variant of Uncertain Significance.

NM_152732.5(RSPH9):c.704C>T (p.Ala235Val)

Gene: RSPH9 (radial spoke head component 9; plus strand). Cytogenetic location: 6p21.1.
Variant type: single nucleotide variant.
Coding change: c.704C>T on transcript NM_152732.5 (MANE Select); coding-DNA position 704, C replaced by T.
Protein change: p.Ala235Val; replaces alanine 235 with valine.
Molecular consequence: missense variant. On other transcripts: synonymous variant (2), non-coding transcript variant (2).
Genome position (GRCh38, 1-based): chr6:43,670,822, C>T. VCF-style: chr6-43670822-C-T. GRCh37 (hg19) VCF-style: chr6-43638559-C-T.
Other names: c.756C>T, p.Cys252= (NM_001193341.2); c.801C>T, p.Cys267= (NM_001424119.1); c.659C>T, p.Ala220Val (NM_001424120.1); short protein forms A220V, A235V.
Identifiers: ClinVar variation 2714127 (VCV002714127.3), dbSNP rs1057502519, ClinGen allele CA138314960.